The following is an entry in ClinVar:

ClinVar aggregate classification (germline): Uncertain significance (1 of 4 stars; one submission).

Conditions:
Hereditary cancer-predisposing syndrome. Also called: Neoplastic Syndromes, Hereditary; Tumor predisposition; Hereditary neoplastic syndrome; Hereditary Cancer Syndrome. Identifiers: Orphanet 140162, MedGen C0027672, MeSH D009386, MONDO:0015356.

Submission:

Ambry Genetics
Classification: Uncertain significance for Hereditary cancer-predisposing syndrome. Last evaluated: 2023-09-29. Review status: criteria provided, single submitter. Criteria: Ambry Variant Classification Scheme 2023. Collection method: clinical testing. Allele origin: germline.
Comment: The p.N319K variant (also known as c.957C>A), located in coding exon 9 of the BRCA1 gene, results from a C to A substitution at nucleotide position 957. The asparagine at codon 319 is replaced by lysine, an amino acid with similar properties. This amino acid position is conserved. In addition, the in silico prediction for this alteration is inconclusive. Since supporting evidence is limited at this time, the clinical significance of this alteration remains unclear.

NM_007294.4(BRCA1):c.957C>A (p.Asn319Lys)

Gene: BRCA1 (BRCA1 DNA repair associated; minus strand). Cytogenetic location: 17q21.31.
Variant type: single nucleotide variant.
Coding change: c.957C>A on transcript NM_007294.4 (MANE Select); coding-DNA position 957, C replaced by A.
Protein change: p.Asn319Lys; replaces asparagine 319 with lysine.
Molecular consequence: missense variant. On other transcripts: intron variant (137).
Genome position (GRCh38, 1-based): chr17:43,094,574, G>T on the plus strand (C>A on the coding strand, the complement: BRCA1 is on the minus strand). VCF-style: chr17-43094574-G-T. GRCh37 (hg19) VCF-style: chr17-41246591-G-T.
Other names: c.816C>A, p.Asn272Lys (NM_001407736.1, NM_001407737.1, NM_001407738.1 and 29 more transcripts); c.813C>A, p.Asn271Lys (NM_001407740.1, NM_001407741.1, NM_001407742.1 and 20 more transcripts); c.744C>A, p.Asn248Lys (NM_001407853.1, NM_001407894.1, NM_001407895.1 and 9 more transcripts); c.957C>A, p.Asn319Lys (NM_001407854.1, NM_001407858.1, NM_001407859.1 and 30 more transcripts); c.954C>A, p.Asn318Lys (NM_001407860.1, NM_001407861.1, NM_001407587.1 and 22 more transcripts); c.756C>A, p.Asn252Lys (NM_001407862.1); c.834C>A, p.Asn278Lys (NM_001407863.1, NM_001407919.1, NM_001407937.1 and 19 more transcripts); c.753C>A, p.Asn251Lys (NM_001407874.1, NM_001407875.1); and 40 more; short protein forms N151K, N191K, N192K, N207K, N208K, N230K, N231K, N23K.
Identifiers: ClinVar variation 3226181 (VCV003226181.1), dbSNP rs1057524333, ClinGen allele CA10600151.